The following is an entry in ClinVar:

NM_004706.4(ARHGEF1):c.407G>A (p.Arg136Gln)

Gene: ARHGEF1 (Rho guanine nucleotide exchange factor 1; plus strand). Cytogenetic location: 19q13.2.
Variant type: single nucleotide variant.
Coding change: c.407G>A on transcript NM_004706.4 (MANE Select); coding-DNA position 407, G replaced by A.
Protein change: p.Arg136Gln; replaces arginine 136 with glutamine.
Molecular consequence: missense variant. On other transcripts: non-coding transcript variant (2).
Genome position (GRCh38, 1-based): chr19:41,892,642, G>A. VCF-style: chr19-41892642-G-A. GRCh37 (hg19) VCF-style: chr19-42396713-G-A.
Other names: c.407G>A, p.Arg136Gln (NM_001396000.1, NM_001396003.1, NM_001396006.1); c.308G>A, p.Arg103Gln (NM_001396002.1, NM_001396004.1, NM_198977.2); c.452G>A, p.Arg151Gln (NM_199002.2); short protein forms R103Q, R136Q, R151Q.
Identifiers: ClinVar variation 2972083 (VCV002972083.3), dbSNP rs782007974, ClinGen allele CA9465908.

ClinVar aggregate classification (germline): Uncertain significance (1 of 4 stars; one submission).

Allele frequency attached by ClinVar (database versions not stated): ExAC 0.00001; gnomAD 0.00001; gnomAD exomes 0.00001.
gnomAD v4.1: 16 of 1,612,188 alleles (0.00099%); highest among the groups gnomAD compares: South Asian, 0.0066%; no homozygotes.

Submission:

Labcorp Genetics (formerly Invitae), Labcorp
Classification: Uncertain significance. Last evaluated: 2024-10-22. Review status: criteria provided, single submitter. Criteria: Invitae Variant Classification Sherloc (09022015). Collection method: clinical testing. Allele origin: germline.
Comment: This sequence change replaces arginine, which is basic and polar, with glutamine, which is neutral and polar, at codon 151 of the ARHGEF1 protein (p.Arg151Gln). This variant is present in population databases (rs782007974, gnomAD 0.007%). This variant has not been reported in the literature in individuals affected with ARHGEF1-related conditions. An algorithm developed to predict the effect of missense changes on protein structure and function (PolyPhen-2) suggests that this variant is likely to be disruptive. In summary, the available evidence is currently insufficient to determine the role of this variant in disease. Therefore, it has been classified as a Variant of Uncertain Significance.